The following is an entry in ClinVar:

NM_001330260.2(SCN8A):c.1886T>C (p.Ile629Thr)

Gene: SCN8A (sodium voltage-gated channel alpha subunit 8; plus strand). Cytogenetic location: 12q13.13.
Variant type: single nucleotide variant.
Coding change: c.1886T>C on transcript NM_001330260.2 (MANE Select); coding-DNA position 1886, T replaced by C.
Protein change: p.Ile629Thr; replaces isoleucine 629 with threonine.
Molecular consequence: missense variant.
Genome position (GRCh38, 1-based): chr12:51,721,796, T>C. VCF-style: chr12-51721796-T-C. GRCh37 (hg19) VCF-style: chr12-52115580-T-C.
Other names: p.Ile629Thr; c.1886T>C, p.Ile629Thr (NM_001177984.3, NM_001369788.1, NM_014191.4); short protein forms I629T.
Identifiers: ClinVar variation 1484945 (VCV001484945.8), dbSNP rs2138782988, ClinGen allele CA385229794.

ClinVar aggregate classification (germline): Uncertain significance. Review status: criteria provided, multiple submitters, no conflicts (2 of 4 stars). 2 submissions from 2 submitters: Uncertain significance (2). Last evaluated 2024-05-01.

Conditions:
Early-infantile DEE. Also called: Early infantile epileptic encephalopathy with suppression bursts; Early infantile epileptic encephalopathy; Ohtahara syndrome. Identifiers: Orphanet 1934, MedGen C0393706, MONDO:0800491.

Allele frequency attached by ClinVar (database versions not stated): gnomAD exomes 0.00001.
gnomAD v4.1: 6 of 1,610,078 alleles (0.00037%); highest among the groups gnomAD compares: Non-Finnish European, 0.00051%; no homozygotes.

Submissions (2):

Mayo Clinic Laboratories, Mayo Clinic
Classification: Uncertain significance. Last evaluated: 2024-05-01. Review status: criteria provided, single submitter. Criteria: ACMG Guidelines, 2015. Collection method: clinical testing. Allele origin: germline. Observed: 1 variant allele.
Comment: PP2

Labcorp Genetics (formerly Invitae), Labcorp
Classification: Uncertain significance for Early-infantile DEE. Last evaluated: 2021-10-27. Review status: criteria provided, single submitter. Criteria: Invitae Variant Classification Sherloc (09022015). Collection method: clinical testing. Allele origin: germline.
Comment: This sequence change replaces isoleucine, a(n) neutral and non-polar amino acid, with threonine, a(n) neutral and polar amino acid, at codon 629 of the SCN8A protein (p.Ile629Thr). This variant is not present in population databases (gnomAD no frequency). This variant has not been reported in the literature in individuals affected with SCN8A-related conditions. Algorithms developed to predict the effect of missense changes on protein structure and function are either unavailable or do not agree on the potential impact of this missense change (SIFT: "Deleterious"; PolyPhen-2: "Benign"; Align-GVGD: "Class C0"). In summary, the available evidence is currently insufficient to determine the role of this variant in disease. Therefore, it has been classified as a Variant of Uncertain Significance.